The following is an entry in ClinVar:

ClinVar aggregate classification (germline): Uncertain significance (1 of 4 stars; one submission).

Conditions:
Noonan syndrome 4 (NS4). Also called: SOS1-Related Noonan Syndrome; NOONAN SYNDROME WITH PIGMENTED VILLONODULAR SYNOVITIS. Identifiers: Orphanet 648, MedGen C1853120, MONDO:0012547, OMIM 610733.

Submission:

Victorian Clinical Genetics Services, Murdoch Childrens Research Institute
Classification: Uncertain significance for Noonan syndrome 4. Last evaluated: 2020-10-19. Review status: criteria provided, single submitter. Criteria: ACMG Guidelines, 2015. Collection method: clinical testing. Allele origin: germline.
Comment: Based on the classification scheme VCGS_Germline_v1.1.1, this variant is classified as VUS – 3A. Following criteria are met: 0101 - Gain-of-function is a known mechanism of disease for this gene. (N) 0107 - This gene is known to be associated with autosomal dominant disease. (N) 0200 - Variant is predicted to result in an amino acid change from aspartic acid to phenylalanine. This variant is in exon 10 of the SOS1 gene. (N) 0251 - Variant is heterozygous. (N) 0301 - Variant is absent from gnomAD. (P) 0501 - This amino acid change is consistently predicted to be damaging by multiple in silico tools or highly conserved with a major amino acid change. (P) 0600 - Variant is located in an annotated domain or motif, (PH domain; PDB, NCBI). (N) 0705 - No comparable variants have previous evidence for pathogenicity. (N) 0807 - Variant has not previously been reported in a clinical context. (N) 0905 - No segregation evidence has been identified for this variant in the literature. (N) 1007 - No published functional evidence has been identified for this variant. (N) 1208 - Inheritance information for this variant is not currently available. (N) Legend: (P) - Pathogenic, (N) - Neutral, (B) - Benign

NM_005633.4(SOS1):c.1393_1394delinsTT (p.Asp465Phe)

Gene: SOS1 (SOS Ras/Rac guanine nucleotide exchange factor 1; minus strand). Cytogenetic location: 2p22.1.
Variant type: Indel.
Coding change: c.1393_1394delinsTT on transcript NM_005633.4 (MANE Select); coding-DNA positions 1393 to 1394, GA replaced by TT.
Protein change: p.Asp465Phe; replaces aspartic acid 465 with phenylalanine.
Molecular consequence: missense variant.
Genome position (GRCh38, 1-based): chr2:39,023,034-39,023,035, TC replaced by AA on the plus strand (GA replaced by TT on the coding strand, the reverse complement: SOS1 is on the minus strand). VCF-style: chr2-39023034-TC-AA. GRCh37 (hg19) VCF-style: chr2-39250175-TC-AA.
Other names: c.1372_1373delinsTT, p.Asp458Phe (NM_001382394.1); c.1393_1394delinsTT, p.Asp465Phe (NM_001382395.1); short protein forms D458F, D465F.
Identifiers: ClinVar variation 1806113 (VCV001806113.1), dbSNP rs2529037379, ClinGen allele CA1139532821.